The following is an entry in ClinVar:

ClinVar aggregate classification (germline): Pathogenic. Review status: reviewed by expert panel (3 of 4 stars). 2 submissions from 2 submitters: Pathogenic (1). 1 of the submissions does not count toward it. Last evaluated 2016-10-18.

Conditions:
Breast-ovarian cancer, familial, susceptibility to, 2 (BROVCA2). Also called: BRCA2 Hereditary Breast and Ovarian Cancer. Identifiers: Orphanet 145, MedGen C2675520, MONDO:0012933, OMIM 612555. Disease mechanism: loss of function.
Hereditary breast ovarian cancer syndrome. Also called: BRCA1- and BRCA2-Associated Hereditary Breast and Ovarian Cancer; Hereditary breast and ovarian cancer; Breast and ovarian cancer; Hereditary breast and/or ovarian cancer syndrome; Hereditary breast and ovarian cancer syndrome; Hereditary breast and ovarian cancer syndrome (HBOC). Identifiers: Orphanet 145, MedGen C0677776, MeSH D061325, MONDO:0003582. Disease mechanism: loss of function.

Submissions (2):

Evidence-based Network for the Interpretation of Germline Mutant Alleles (ENIGMA)
Classification: Pathogenic for Breast-ovarian cancer, familial, susceptibility to, 2. Last evaluated: 2016-10-18. Review status: reviewed by expert panel. Criteria: ENIGMA BRCA1/2 Classification Criteria (2015). Collection method: curation. Allele origin: germline.
Comment: Variant allele predicted to encode a truncated non-functional protein.

Research Molecular Genetics Laboratory, Women's College Hospital, University of Toronto
Classification: Pathogenic for Hereditary breast ovarian cancer syndrome. Last evaluated: 2014-01-31. Review status: no assertion criteria provided. Collection method: research. Allele origin: germline. Affected: yes. Study: The Canadian Open Genetics Repository (COGR). Not counted in ClinVar's aggregate classification.

NM_000059.4(BRCA2):c.4774A>T (p.Lys1592Ter)

Gene: BRCA2 (BRCA2 DNA repair associated; plus strand). Cytogenetic location: 13q13.1.
Variant type: single nucleotide variant.
Coding change: c.4774A>T on transcript NM_000059.4 (MANE Select); coding-DNA position 4774, A replaced by T.
Protein change: p.Lys1592Ter; replaces lysine 1592 with a stop codon.
Molecular consequence: nonsense.
Genome position (GRCh38, 1-based): chr13:32,339,129, A>T. VCF-style: chr13-32339129-A-T. GRCh37 (hg19) VCF-style: chr13-32913266-A-T.
Other names: 5002A>T; short protein forms K1592*.
Identifiers: ClinVar variation 266831 (VCV000266831.5), dbSNP rs886040548, ClinGen allele CA10589272.